The following is an entry in ClinVar:

ClinVar aggregate classification (germline): Benign/Likely benign. Review status: criteria provided, multiple submitters, no conflicts (2 of 4 stars). 6 submissions from 3 submitters: Benign (4); Likely benign (2). Last evaluated 2021-05-12.

Conditions:
Jervell and Lange-Nielsen syndrome 1 (JLNS1). Also called: CARDIOAUDITORY SYNDROME OF JERVELL AND LANGE-NIELSEN; DEAFNESS, CONGENITAL, AND FUNCTIONAL HEART DISEASE; PROLONGED QT INTERVAL IN EKG AND SUDDEN DEATH; SURDO-CARDIAC SYNDROME. Identifiers: Orphanet 768, Orphanet 90647, MedGen C4551509, MONDO:0024540, OMIM 220400.
Short QT syndrome type 2. Identifiers: Orphanet 51083, MedGen C1865019, MONDO:0012313, OMIM 609621.
Long QT syndrome 1 (LQT1). Identifiers: Orphanet 101016, Orphanet 768, MedGen C4551647, MONDO:0100316, OMIM 192500, MONDO:0008646.
Atrial fibrillation, familial, 3 (ATFB3). Identifiers: MedGen C1837014, MONDO:0011857, OMIM 607554.

Allele frequency attached by ClinVar (database versions not stated): gnomAD exomes 0.02303; ExAC 0.02364; 1000 Genomes Project 0.02376; 1000 Genomes Project 30x 0.02686; gnomAD 0.03392 and 0.03555; TOPMed 0.03689.
gnomAD v4.1: 12,551 of 477,920 alleles (2.6%); highest among the groups gnomAD compares: African/African-American, 6%; 238 homozygotes.

Submissions (6):

GeneDx
Classification: Benign. Last evaluated: 2021-05-12. Review status: criteria provided, single submitter. Criteria: GeneDx Variant Classification Process June 2021. Collection method: clinical testing. Allele origin: germline. Affected: yes.

Illumina Laboratory Services, Illumina
Classification: Likely benign for Atrial fibrillation, familial, 3. Last evaluated: 2018-01-13. Review status: criteria provided, single submitter. Criteria: ICSL Variant Classification Criteria 13 December 2019. Collection method: clinical testing. Allele origin: germline.
Comment: This variant was observed in the ICSL laboratory as part of a predisposition screen in an ostensibly healthy population. It had not been previously curated by ICSL or reported in the Human Gene Mutation Database (HGMD: prior to June 1st, 2018), and was therefore a candidate for classification through an automated scoring system. Utilizing variant allele frequency, disease prevalence and penetrance estimates, and inheritance mode, an automated score was calculated to assess if this variant is too frequent to cause the disease. Based on the score and internal cut-off values, a variant classified as likely benign is not then subjected to further curation. The score for this variant resulted in a classification of likely benign for this disease.

Illumina Laboratory Services, Illumina
Classification: Benign for Jervell and Lange-Nielsen syndrome 1. Last evaluated: 2018-01-13. Review status: criteria provided, single submitter. Criteria: ICSL Variant Classification Criteria 13 December 2019. Collection method: clinical testing. Allele origin: germline.
Comment: This variant was observed in the ICSL laboratory as part of a predisposition screen in an ostensibly healthy population. It had not been previously curated by ICSL or reported in the Human Gene Mutation Database (HGMD: prior to June 1st, 2018), and was therefore a candidate for classification through an automated scoring system. Utilizing variant allele frequency, disease prevalence and penetrance estimates, and inheritance mode, an automated score was calculated to assess if this variant is too frequent to cause the disease. Based on the score and internal cut-off values, a variant classified as benign is not then subjected to further curation. The score for this variant resulted in a classification of benign for this disease.

Illumina Laboratory Services, Illumina
Classification: Benign for Long QT syndrome 1. Last evaluated: 2018-01-13. Review status: criteria provided, single submitter. Criteria: ICSL Variant Classification Criteria 13 December 2019. Collection method: clinical testing. Allele origin: germline.
Comment: the same text as in the submission from Illumina Laboratory Services, Illumina above.

Illumina Laboratory Services, Illumina
Classification: Benign for Short QT syndrome type 2. Last evaluated: 2018-01-13. Review status: criteria provided, single submitter. Criteria: ICSL Variant Classification Criteria 13 December 2019. Collection method: clinical testing. Allele origin: germline.
Comment: the same text as in the submission from Illumina Laboratory Services, Illumina above.

Breakthrough Genomics
Classification: Likely benign. Review status: criteria provided, single submitter. Criteria: ACMG Guidelines, 2015. Collection method: not provided. Allele origin: germline. Inheritance: Autosomal recessive inheritance. Affected: yes.

NM_000218.3(KCNQ1):c.*411C>T

Genes: KCNQ1-AS1 (KCNQ1 antisense RNA 1; minus strand), KCNQ1 (potassium voltage-gated channel subfamily Q member 1; plus strand). Cytogenetic location: 11p15.4.
Variant type: single nucleotide variant.
Coding change: c.*411C>T on transcript NM_000218.3 (MANE Select); 411 bases downstream of the stop codon, C replaced by T.
Molecular consequence: 3 prime UTR variant.
Genome position (GRCh38, 1-based): chr11:2,848,414, C>T. VCF-style: chr11-2848414-C-T. GRCh37 (hg19) VCF-style: chr11-2869644-C-T.
Other names: c.*411C>T (NM_001406836.1, NM_001406837.1, NM_001406838.1 and 2 more transcripts).
Identifiers: ClinVar variation 304247 (VCV000304247.11), dbSNP rs45460605, ClinGen allele CA037066.